The following is an entry in ClinVar:

ClinVar aggregate classification (germline): Pathogenic (1 of 4 stars; one submission).

Conditions:
Nemaline myopathy 5 (NEM5A). Also called: Nemaline myopathy 5, Amish type; NEMALINE MYOPATHY, AMISH TYPE; NEMALINE MYOPATHY 5A, AUTOSOMAL RECESSIVE, SEVERE INFANTILE. Identifiers: Orphanet 98902, MedGen C1854380, MONDO:0011539, OMIM 605355.

Submission:

Labcorp Genetics (formerly Invitae), Labcorp
Classification: Pathogenic for Nemaline myopathy 5. Last evaluated: 2019-04-22. Review status: criteria provided, single submitter. Criteria: Invitae Variant Classification Sherloc (09022015). Collection method: clinical testing. Allele origin: germline.
Comment: This sequence change creates a premature translational stop signal (p.Leu233Alafs*4) in the TNNT1 gene. It is expected to result in an absent or disrupted protein product. This variant is not present in population databases (ExAC no frequency). This variant has not been reported in the literature in individuals with TNNT1-related conditions. Loss-of-function variants in TNNT1 are known to be pathogenic (PMID: 10952871, 24689076, 25430424). For these reasons, this variant has been classified as Pathogenic.

Literature cited by the submitters: PubMed 10952871; PubMed 24689076; PubMed 25430424.

NM_003283.6(TNNT1):c.695dup (p.Leu233fs)

Gene: TNNT1 (troponin T1, slow skeletal type; minus strand). Cytogenetic location: 19q13.42.
Variant type: Duplication.
Coding change: c.695dup on transcript NM_003283.6 (MANE Select); coding-DNA position 695, one base duplicated (A; older notation c.695dupA).
Protein change: p.Leu233fs; shifts the reading frame from leucine 233.
Molecular consequence: frameshift variant.
Genome position (GRCh38, 1-based): chr19:55,134,121, T duplicated on the plus strand (A on the coding strand, the reverse complement: TNNT1 is on the minus strand). VCF-style (leftmost placement, unchanged base first): chr19-55134120-C-CT. GRCh37 (hg19) VCF-style: chr19-55645488-C-CT.
Other names: c.647dup, p.Leu217fs (NM_001126132.3); c.614dup, p.Leu206fs (NM_001126133.3, NM_001291774.2); short protein forms L233fs, L206fs, L217fs.
Identifiers: ClinVar variation 949099 (VCV000949099.8), dbSNP rs2085299661, ClinGen allele CA1139666601.
Genomic context (GRCh38, chr19:55,134,120, plus strand): 5'-TCTCACCTCATATTTCTGCTGTTTCAGCTTCGCCATCAGGTCGAACTTCTCAGACTCCAG[C>CT]TGGTGGATCCAGTCCGACAGCTCCTGGGCTTTCTCCCTGGCAGGGCAGGAGGGCTGTGAT-3'